The following is an entry in ClinVar:

NM_020821.3(VPS13C):c.5185T>G (p.Leu1729Val)

Gene: VPS13C (vacuolar protein sorting 13 homolog C; minus strand). Cytogenetic location: 15q22.2.
Variant type: single nucleotide variant.
Coding change: c.5185T>G on transcript NM_020821.3 (MANE Select); coding-DNA position 5185, T replaced by G.
Protein change: p.Leu1729Val; replaces leucine 1729 with valine.
Molecular consequence: missense variant.
Genome position (GRCh38, 1-based): chr15:61,942,031, A>C on the plus strand (T>G on the coding strand, the complement: VPS13C is on the minus strand). VCF-style: chr15-61942031-A-C. GRCh37 (hg19) VCF-style: chr15-62234230-A-C.
Other names: c.5185T>G, p.Leu1729Val (NM_001018088.3); c.5056T>G, p.Leu1686Val (NM_017684.5, NM_018080.4); short protein forms L1729V, L1686V.
Identifiers: ClinVar variation 1363912 (VCV001363912.3), dbSNP rs370438226, ClinGen allele CA7595882.

ClinVar aggregate classification (germline): Uncertain significance (1 of 4 stars; one submission).

Allele frequency attached by ClinVar (database versions not stated): gnomAD exomes 0.00007 and 0.00020; ESP Exome Variant Server 0.00008; gnomAD 0.00008 and 0.00009; TOPMed 0.00010; ExAC 0.00020.
gnomAD v4.1: 127 of 1,606,898 alleles (0.0079%); highest among the groups gnomAD compares: Middle Eastern, 0.05%; no homozygotes.

Submission:

Labcorp Genetics (formerly Invitae), Labcorp
Classification: Uncertain significance. Last evaluated: 2021-11-12. Review status: criteria provided, single submitter. Criteria: Invitae Variant Classification Sherloc (09022015). Collection method: clinical testing. Allele origin: germline.
Comment: This sequence change replaces leucine, which is neutral and non-polar, with valine, which is neutral and non-polar, at codon 1729 of the VPS13C protein (p.Leu1729Val). This variant is present in population databases (rs370438226, gnomAD 0.2%). This variant has not been reported in the literature in individuals affected with VPS13C-related conditions. Algorithms developed to predict the effect of missense changes on protein structure and function output the following: SIFT: "Tolerated"; PolyPhen-2: "Benign"; Align-GVGD: "Class C0". The valine amino acid residue is found in multiple mammalian species, which suggests that this missense change does not adversely affect protein function. Algorithms developed to predict the effect of sequence changes on RNA splicing suggest that this variant may create or strengthen a splice site. In summary, the available evidence is currently insufficient to determine the role of this variant in disease. Therefore, it has been classified as a Variant of Uncertain Significance.